The following is an entry in ClinVar:

ClinVar aggregate classification (germline): Uncertain significance (1 of 4 stars; one submission).

Conditions:
Autosomal recessive distal spinal muscular atrophy 1. Also called: HMN VI; Spinal muscular atrophy with respiratory distress 1; NEURONOPATHY, SEVERE INFANTILE AXONAL, WITH RESPIRATORY FAILURE; SEVERE INFANTILE AXONAL NEUROPATHY WITH RESPIRATORY FAILURE; SPINAL MUSCULAR ATROPHY, DIAPHRAGMATIC; NEURONOPATHY, DISTAL HEREDITARY MOTOR, HARDING TYPE VI. Identifiers: Orphanet 98920, MedGen C1858517, MONDO:0011436, OMIM 604320.
Charcot-Marie-Tooth disease axonal type 2S. Also called: CHARCOT-MARIE-TOOTH NEUROPATHY, TYPE 2S; CHARCOT-MARIE-TOOTH DISEASE, AXONAL, AUTOSOMAL RECESSIVE, TYPE 2S. Identifiers: Orphanet 443073, MedGen C4015349, MONDO:0014511, OMIM 616155.

Allele frequency attached by ClinVar (database versions not stated): ExAC 0.00003.
gnomAD v4.1: 7 of 1,613,412 alleles (0.00043%); highest among the groups gnomAD compares: Non-Finnish European, 0.00059%; no homozygotes.

Submission:

Labcorp Genetics (formerly Invitae), Labcorp
Classification: Uncertain significance for Autosomal recessive distal spinal muscular atrophy 1; Charcot-Marie-Tooth disease axonal type 2S. Last evaluated: 2022-08-06. Review status: criteria provided, single submitter. Criteria: Invitae Variant Classification Sherloc (09022015). Collection method: clinical testing. Allele origin: germline.
Comment: In summary, the available evidence is currently insufficient to determine the role of this variant in disease. Therefore, it has been classified as a Variant of Uncertain Significance. Advanced modeling of protein sequence and biophysical properties (such as structural, functional, and spatial information, amino acid conservation, physicochemical variation, residue mobility, and thermodynamic stability) performed at Invitae indicates that this missense variant is expected to disrupt IGHMBP2 protein function. This variant has not been reported in the literature in individuals affected with IGHMBP2-related conditions. This variant is present in population databases (rs778826310, gnomAD 0.004%). This sequence change replaces proline, which is neutral and non-polar, with arginine, which is basic and polar, at codon 405 of the IGHMBP2 protein (p.Pro405Arg).

NM_002180.3(IGHMBP2):c.1214C>G (p.Pro405Arg)

Gene: IGHMBP2 (immunoglobulin mu DNA binding protein 2; plus strand). Cytogenetic location: 11q13.3.
Variant type: single nucleotide variant.
Coding change: c.1214C>G on transcript NM_002180.3 (MANE Select); coding-DNA position 1214, C replaced by G.
Protein change: p.Pro405Arg; replaces proline 405 with arginine.
Molecular consequence: missense variant.
Genome position (GRCh38, 1-based): chr11:68,929,336, C>G. VCF-style: chr11-68929336-C-G. GRCh37 (hg19) VCF-style: chr11-68696804-C-G.
Other names: short protein forms P405R.
Identifiers: ClinVar variation 2106095 (VCV002106095.4), dbSNP rs778826310, ClinGen allele CA6153545.